The following is an entry in ClinVar:

NM_000152.5(GAA):c.1154G>A (p.Arg385His)

Gene: GAA (alpha glucosidase; plus strand). Cytogenetic location: 17q25.3.
Variant type: single nucleotide variant.
Coding change: c.1154G>A on transcript NM_000152.5 (MANE Select); coding-DNA position 1154, G replaced by A.
Protein change: p.Arg385His; replaces arginine 385 with histidine.
Molecular consequence: missense variant.
Genome position (GRCh38, 1-based): chr17:80,108,567, G>A. VCF-style: chr17-80108567-G-A. GRCh37 (hg19) VCF-style: chr17-78082366-G-A.
Other names: c.1154G>A, p.Arg385His (NM_001079803.3, NM_001079804.3, NM_001406741.1 and 1 more transcripts); short protein forms R385H.
Identifiers: ClinVar variation 4078699 (VCV004078699.2).
Genomic context (GRCh38, chr17:80,108,567, plus strand): 5'-CATACTGGGGCCTGGGCTTCCACCTGTGCCGCTGGGGCTACTCCTCCACCGCTATCACCC[G>A]CCAGGTGGTGGAGAACATGACCAGGGCCCACTTCCCCCTGGTGAGTTGGGGTGGTGGCAG-3'
Protein context (NP_000143.2, residues 375-395): RWGYSSTAIT[Arg385His]QVVENMTRAH

ClinVar aggregate classification (germline): Uncertain significance. Review status: criteria provided, multiple submitters, no conflicts (2 of 4 stars). 2 submissions from 2 submitters: Uncertain significance (2). Last evaluated 2026-07-01.

Conditions:
Glycogen storage disease, type II (IOPD). Also called: POMPE DISEASE, INFANTILE-ONSET; GLYCOGEN STORAGE DISEASE II, INFANTILE-ONSET; ACID ALPHA-GLUCOSIDASE DEFICIENCY, INFANTILE-ONSET; GAA DEFICIENCY, INFANTILE-ONSET; ACID MALTASE DEFICIENCY, INFANTILE-ONSET; Glucosidase acid-1,4-alpha deficiency. Identifiers: Orphanet 365, MedGen C0017921, MONDO:0009290, OMIM 232300.

Submissions (2):

Genomenon, Inc
Classification: Uncertain significance for Glycogen storage disease, type II. Last evaluated: 2026-07-01. Review status: criteria provided, single submitter. Criteria: Genomenon Sequence Variant Interpretation Standards - Updated. Collection method: curation. Allele origin: germline. Affected: no.
Comment: GAA p.Arg385His (c.1154G>A) is a missense variant that changes the amino acid at codon 385 from Arginine to Histidine. This variant has been reported in the published literature (PMID:36310651;30281819;33072983). It is absent or not present at a significant frequency in gnomAD. In silico models predict that this variant is possibly or probably damaging. In conclusion, we classify GAA p.Arg385His (c.1154G>A) as a variant of uncertain significance.

Revvity Omics, Revvity
Classification: Uncertain significance. Last evaluated: 2023-08-21. Review status: criteria provided, single submitter. Criteria: ACMG Guidelines, 2015. Collection method: clinical testing. Allele origin: germline.

Literature cited by the submitters: PubMed 36310651 (cited by Genomenon, Inc); PubMed 30281819 (cited by Genomenon, Inc); PubMed 33072983 (cited by Genomenon, Inc).